The following is an entry in ClinVar:

ClinVar aggregate classification (germline): Uncertain significance (1 of 4 stars; one submission).

Conditions:
Bethlem myopathy 1A. Also called: Bethlem myopathy 1; MYOPATHY, BENIGN CONGENITAL, WITH CONTRACTURES; Bethlem Muscular Dystrophy. Identifiers: Orphanet 610, MedGen CN029274, MONDO:0024530, OMIM 158810.

Allele frequency attached by ClinVar (database versions not stated): gnomAD exomes below 0.00001 and 0.00001; ExAC 0.00001; ESP Exome Variant Server 0.00008.

Submission:

Labcorp Genetics (formerly Invitae), Labcorp
Classification: Uncertain significance for Bethlem myopathy 1A. Last evaluated: 2022-02-09. Review status: criteria provided, single submitter. Criteria: Invitae Variant Classification Sherloc (09022015). Collection method: clinical testing. Allele origin: germline.
Comment: In summary, the available evidence is currently insufficient to determine the role of this variant in disease. Therefore, it has been classified as a Variant of Uncertain Significance. Advanced modeling of protein sequence and biophysical properties (such as structural, functional, and spatial information, amino acid conservation, physicochemical variation, residue mobility, and thermodynamic stability) performed at Invitae indicates that this missense variant is not expected to disrupt COL6A3 protein function. ClinVar contains an entry for this variant (Variation ID: 582196). This variant has not been reported in the literature in individuals affected with COL6A3-related conditions. This variant is present in population databases (rs138570455, gnomAD 0.0009%). This sequence change replaces glutamic acid, which is acidic and polar, with glycine, which is neutral and non-polar, at codon 73 of the COL6A3 protein (p.Glu73Gly).

NM_004369.4(COL6A3):c.218A>G (p.Glu73Gly)

Gene: COL6A3 (collagen type VI alpha 3 chain; minus strand). Cytogenetic location: 2q37.3.
Variant type: single nucleotide variant.
Coding change: c.218A>G on transcript NM_004369.4 (MANE Select); coding-DNA position 218, A replaced by G.
Protein change: p.Glu73Gly; replaces glutamic acid 73 with glycine.
Molecular consequence: missense variant. On other transcripts: intron variant (4).
Genome position (GRCh38, 1-based): chr2:237,395,078, T>C on the plus strand (A>G on the coding strand, the complement: COL6A3 is on the minus strand). VCF-style: chr2-237395078-T-C. GRCh37 (hg19) VCF-style: chr2-238303721-T-C.
Other names: c.91+1649A>G (NM_057166.5, NM_057167.4, NM_057164.5 and 1 more transcripts); short protein forms E73G.
Identifiers: ClinVar variation 582196 (VCV000582196.9), dbSNP rs138570455, ClinGen allele CA2189916.
Genomic context (GRCh38, chr2:237,395,078, plus strand): 5'-AACAGGAACTCGGTATGTGGGTTTCCGTTGAACTGGACCAGAGCAAAATGGAAATCATTT[T>C]CTCCCACAGCTAAGGATTTTACAACATCATATAGAAACTCTCGAACAAGTTGGAAATGTT-3'
Protein context (NP_004360.2, residues 63-83): YDVVKSLAVG[Glu73Gly]NDFHFALVQF